The following is an entry in ClinVar:

ClinVar aggregate classification (germline): Likely pathogenic (1 of 4 stars; one submission).

Conditions:
Junctional epidermolysis bullosa. Identifiers: Orphanet 305, MedGen C0079301, MONDO:0017612.

Submission:

Myriad Genetics, Inc.
Classification: Likely pathogenic for Junctional epidermolysis bullosa. Last evaluated: 2022-01-24. Review status: criteria provided, single submitter. Criteria: Myriad Autosomal Dominant, Autosomal Recessive and X-Linked Classification Criteria (2023). Collection method: clinical testing. Allele origin: unknown.
Comment: NM_000228.2(LAMB3):c.2677delC(Q893Sfs*7) is expected to be pathogenic in the context of junctional epidermolysis bullosa, LAMB3-related. This variant is predicted to lead to an abnormal or absent protein product due to the creation of a premature termination codon in LAMB3, a gene where loss-of-function variants are known to be pathogenic. Please note: this variant was assessed in the context of healthy population screening.

NM_000228.3(LAMB3):c.2677del (p.Gln893fs)

Gene: LAMB3 (laminin subunit beta 3; minus strand). Cytogenetic location: 1q32.2.
Variant type: Deletion.
Coding change: c.2677del on transcript NM_000228.3 (MANE Select); coding-DNA position 2677, one base deleted (C; older notation c.2677delC).
Protein change: p.Gln893fs; shifts the reading frame from glutamine 893.
Molecular consequence: frameshift variant.
Genome position (GRCh38, 1-based): chr1:209,622,560, G deleted on the plus strand (C on the coding strand, the reverse complement: LAMB3 is on the minus strand); the first of 2 consecutive G bases (chr1:209,622,560-209,622,561); deleting either gives the same sequence. VCF-style (leftmost placement, unchanged base first): chr1-209622559-TG-T. GRCh37 (hg19) VCF-style: chr1-209795904-TG-T.
Other names: c.2677del, p.Gln893fs (NM_001017402.2, NM_001127641.1); short protein forms Q893fs.
Identifiers: ClinVar variation 1724056 (VCV001724056.3), dbSNP rs2464785754, ClinGen allele CA2580061996.